The following is an entry in ClinVar:

ClinVar aggregate classification (germline): Pathogenic (1 of 4 stars; one submission).

Conditions:
Hyperphosphatasia with impaired intellectual development syndrome 2. Also called: GLYCOSYLPHOSPHATIDYLINOSITOL BIOSYNTHESIS DEFECT 6; Hyperphosphatasia with intellectual disability syndrome 2. Identifiers: Orphanet 247262, MedGen C3553637, MONDO:0013882, OMIM 614749.

Submission:

Labcorp Genetics (formerly Invitae), Labcorp
Classification: Pathogenic for Hyperphosphatasia with impaired intellectual development syndrome 2. Last evaluated: 2025-11-24. Review status: criteria provided, single submitter. Criteria: Invitae Variant Classification Sherloc (09022015). Collection method: clinical testing. Allele origin: germline.
Comment: This sequence change creates a premature translational stop signal (p.Leu680Serfs*5) in the PIGO gene. It is expected to result in an absent or disrupted protein product. Loss-of-function variants in PIGO are known to be pathogenic (PMID: 22683086, 24417746). This variant is not present in population databases (gnomAD no frequency). This variant has not been reported in the literature in individuals affected with PIGO-related conditions. For these reasons, this variant has been classified as Pathogenic.

Literature cited by the submitters: PubMed 22683086; PubMed 24417746.

NM_032634.4(PIGO):c.2037_2062del (p.Leu680fs)

Gene: PIGO (phosphatidylinositol glycan anchor biosynthesis class O; minus strand). Cytogenetic location: 9p13.3.
Variant type: Deletion.
Coding change: c.2037_2062del on transcript NM_032634.4 (MANE Select); coding-DNA positions 2037 to 2062, 26 bases deleted (CCTGTTAGCTGCCGTGCGCTTGTGGC).
Protein change: p.Leu680fs; shifts the reading frame from leucine 680.
Molecular consequence: frameshift variant. On other transcripts: intron variant (2).
Genome position (GRCh38, 1-based): chr9:35,091,825-35,091,850, GCCACAAGCGCACGGCAGCTAACAGG deleted on the plus strand (CCTGTTAGCTGCCGTGCGCTTGTGGC on the coding strand, the reverse complement: PIGO is on the minus strand); deleting any 26 consecutive bases within chr9:35,091,825-35,091,855 gives the same sequence; the c. name uses the placement nearest the transcript's 3' end. VCF-style (leftmost placement, unchanged base first): chr9-35091824-AGCCACAAGCGCACGGCAGCTAACAGG-A. GRCh37 (hg19) VCF-style: chr9-35091821-AGCCACAAGCGCACGGCAGCTAACAGG-A.
Other names: c.1345-559_1345-534del (NM_152850.4, NM_001201484.2); short protein forms L680fs.
Identifiers: ClinVar variation 4731870 (VCV004731870.1).
Genomic context (GRCh38, chr9:35,091,824, plus strand): 5'-AGTCCCCAGCGCACAAAGAGCATGGGTGGCTCGGGGCTCTTGAGATTACCATAGCGGCGA[AGCCACAAGCGCACGGCAGCTAACAGG>A]GCCACCAGCGCCGCCACACAAGCTCCATACCACAAATTCTTGGCTCGACCACCCACCATG-3'